The following is an entry in ClinVar:

NM_000432.4(MYL2):c.431C>T (p.Pro144Leu)

Gene: MYL2 (myosin light chain 2; minus strand). Cytogenetic location: 12q24.11.
Variant type: single nucleotide variant.
Coding change: c.431C>T on transcript NM_000432.4 (MANE Select); coding-DNA position 431, C replaced by T.
Protein change: p.Pro144Leu; replaces proline 144 with leucine.
Molecular consequence: missense variant.
Genome position (GRCh38, 1-based): chr12:110,911,147, G>A on the plus strand (C>T on the coding strand, the complement: MYL2 is on the minus strand). VCF-style: chr12-110911147-G-A. GRCh37 (hg19) VCF-style: chr12-111348951-G-A.
Other names: c.389C>T, p.Pro130Leu (NM_001406745.1, NM_001406746.1); c.374C>T, p.Pro125Leu (NM_001406916.1); short protein forms P130L, P144L, P125L.
Identifiers: ClinVar variation 2172098 (VCV002172098.3), dbSNP rs755993281, ClinGen allele CA243560465.

ClinVar aggregate classification (germline): Uncertain significance. Review status: criteria provided, multiple submitters, no conflicts (2 of 4 stars). 2 submissions from 2 submitters: Uncertain significance (2). Last evaluated 2025-02-11.

Conditions:
Hypertrophic cardiomyopathy 10. Also called: CARDIOMYOPATHY, HYPERTROPHIC, MID-LEFT VENTRICULAR CHAMBER TYPE, 2; MYL2-Related Familial Hypertrophic Cardiomyopathy. Identifiers: MedGen C1834460, MONDO:0012112, OMIM 608758.
Hypertrophic cardiomyopathy. Also called: HYPERTROPHIC MYOCARDIOPATHY. Identifiers: Orphanet 217569, MedGen C0007194, MeSH D002312, MONDO:0005045, HP:0001639.

Submissions (2):

Labcorp Genetics (formerly Invitae), Labcorp
Classification: Uncertain significance for Hypertrophic cardiomyopathy 10. Last evaluated: 2025-02-11. Review status: criteria provided, single submitter. Criteria: Invitae Variant Classification Sherloc (09022015). Collection method: clinical testing. Allele origin: germline.
Comment: This sequence change replaces proline, which is neutral and non-polar, with leucine, which is neutral and non-polar, at codon 144 of the MYL2 protein (p.Pro144Leu). This variant is not present in population databases (gnomAD no frequency). This variant has not been reported in the literature in individuals affected with MYL2-related conditions. ClinVar contains an entry for this variant (Variation ID: 2172098). An algorithm developed to predict the effect of missense changes on protein structure and function (PolyPhen-2) suggests that this variant is likely to be disruptive. In summary, the available evidence is currently insufficient to determine the role of this variant in disease. Therefore, it has been classified as a Variant of Uncertain Significance.

All of Us Research Program, National Institutes of Health
Classification: Uncertain significance for Hypertrophic cardiomyopathy. Last evaluated: 2023-09-05. Review status: criteria provided, single submitter. Criteria: ACMG Guidelines, 2015. Collection method: clinical testing. Allele origin: germline. Inheritance: Autosomal dominant inheritance. Observed: 2 variant alleles, 2 heterozygotes.
Comment: This study involves interpretation of variants in research participants for the purpose of population health screening. Participant phenotype was not available at the time of variant classification. Additional details can be found in publication PMID: 35346344, PMCID: PMC8962531